The following is an entry in ClinVar:

NM_000152.5(GAA):c.1754+1dup

Gene: GAA (alpha glucosidase; plus strand). Cytogenetic location: 17q25.3.
Variant type: Duplication.
Coding change: c.1754+1dup on transcript NM_000152.5 (MANE Select); the canonical splice donor site of the intron after coding-DNA position 1754, one base duplicated (G; older notation c.1754+1dupG).
Molecular consequence: splice donor variant.
Genome position (GRCh38, 1-based): chr17:80,112,101, G duplicated; the last of 2 consecutive G bases (chr17:80,112,100-80,112,101); duplicating either gives the same sequence. VCF-style (leftmost placement, unchanged base first): chr17-80112099-A-AG. GRCh37 (hg19) VCF-style: chr17-78085898-A-AG.
Other names: c.1754+1dup (NM_001406741.1, NM_001406742.1, NM_001079803.3 and 1 more transcripts).
Identifiers: ClinVar variation 4876346 (VCV004876346.1).

ClinVar aggregate classification (germline): Pathogenic (1 of 4 stars; one submission).

Conditions:
Glycogen storage disease, type II (IOPD). Also called: Pompe Disease; CARDIOMEGALIA GLYCOGENICA DIFFUSA; GLYCOGENOSIS, GENERALIZED, CARDIAC FORM; GSD II; POMPE DISEASE, INFANTILE-ONSET; GLYCOGEN STORAGE DISEASE II, INFANTILE-ONSET. Identifiers: Orphanet 365, MedGen C0017921, MONDO:0009290, OMIM 232300.

Submission:

Genomenon, Inc
Classification: Pathogenic for Glycogen storage disease, type II. Last evaluated: 2026-07-01. Review status: criteria provided, single submitter. Criteria: Genomenon Sequence Variant Interpretation Standards - Updated. Collection method: curation. Allele origin: germline. Affected: yes.
Comment: GAA c.1754+1dup is a duplication that affects the donor splice site of intron 12. It is predicted to affect mRNA splicing, leading to a deleterious effect on the GAA protein. This variant has been observed in at least one proband with a GAA-related disorder (PMID:27862019). It is absent or not present at a significant frequency in gnomAD. In conclusion, we classify GAA c.1754+1dup as a pathogenic variant.

Literature cited by the submitters: PubMed 27862019.